The following is an entry in ClinVar:

NM_153717.3(EVC):c.1464+8A>G

Gene: EVC (EvC ciliary complex subunit 1; plus strand). Cytogenetic location: 4p16.2.
Variant type: single nucleotide variant.
Coding change: c.1464+8A>G on transcript NM_153717.3 (MANE Select); 8 bases into the intron after coding-DNA position 1464, A replaced by G.
Molecular consequence: intron variant.
Genome position (GRCh38, 1-based): chr4:5,753,941, A>G. VCF-style: chr4-5753941-A-G. GRCh37 (hg19) VCF-style: chr4-5755668-A-G.
Other names: c.1464+8A>G (NM_001306090.2, NM_001306092.2).
Identifiers: ClinVar variation 506351 (VCV000506351.26), dbSNP rs116236414, ClinGen allele CA2836110.

ClinVar aggregate classification (germline): Benign/Likely benign. Review status: criteria provided, multiple submitters, no conflicts (2 of 4 stars). 7 submissions from 7 submitters: Benign (5); Likely benign (1). 1 of the submissions does not count toward it. Last evaluated 2026-05-11.

Conditions:
Ellis-van Creveld syndrome (EVC). Also called: Chondroectodermal dysplasia; MESOECTODERMAL DYSPLASIA. Identifiers: Orphanet 289, MedGen C0013903, MONDO:0009162, OMIM 225500.
Curry-Hall syndrome (WAD). Also called: WEYERS ACRODENTAL DYSOSTOSIS. Identifiers: Orphanet 952, MedGen C0457013, MONDO:0008673, OMIM 193530.

Allele frequency attached by ClinVar (database versions not stated): ExAC 0.00349; TOPMed 0.01292; 1000 Genomes Project 0.01298; 1000 Genomes Project 30x 0.01312; gnomAD 0.01089 and 0.01163; ESP Exome Variant Server 0.01399.
gnomAD v4.1: 3,161 of 1,612,628 alleles (0.2%); highest among the groups gnomAD compares: African/African-American, 3.7%; 55 homozygotes.

Submissions (7):

Women's Health and Genetics/Laboratory Corporation of America, LabCorp
Classification: Likely benign. Last evaluated: 2026-05-11. Review status: criteria provided, single submitter. Criteria: LabCorp Variant Classification Summary - May 2015. Collection method: clinical testing. Allele origin: germline.

Labcorp Genetics (formerly Invitae), Labcorp
Classification: Benign for Curry-Hall syndrome; Ellis-van Creveld syndrome. Last evaluated: 2026-01-25. Review status: criteria provided, single submitter. Criteria: Invitae Variant Classification Sherloc (09022015). Collection method: clinical testing. Allele origin: germline.

ARUP Laboratories, Molecular Genetics and Genomics, ARUP Laboratories
Classification: Benign. Last evaluated: 2021-10-23. Review status: criteria provided, single submitter. Criteria: ARUP Molecular Germline Variant Investigation Process 2021. Collection method: clinical testing. Allele origin: germline.

Illumina Laboratory Services, Illumina
Classification: Benign for Ellis-van Creveld syndrome. Last evaluated: 2018-01-12. Review status: criteria provided, single submitter. Criteria: ICSL Variant Classification Criteria 13 December 2019. Collection method: clinical testing. Allele origin: germline.
Comment: This variant was observed in the ICSL laboratory as part of a predisposition screen in an ostensibly healthy population. It had not been previously curated by ICSL or reported in the Human Gene Mutation Database (HGMD: prior to June 1st, 2018), and was therefore a candidate for classification through an automated scoring system. Utilizing variant allele frequency, disease prevalence and penetrance estimates, and inheritance mode, an automated score was calculated to assess if this variant is too frequent to cause the disease. Based on the score and internal cut-off values, a variant classified as benign is not then subjected to further curation. The score for this variant resulted in a classification of benign for this disease.

GeneDx
Classification: Benign. Last evaluated: 2017-06-28. Review status: criteria provided, single submitter. Criteria: GeneDx Variant Classification (06012015). Collection method: clinical testing. Allele origin: germline. Affected: yes.
Comment: This variant is considered likely benign or benign based on one or more of the following criteria: it is a conservative change, it occurs at a poorly conserved position in the protein, it is predicted to be benign by multiple in silico algorithms, and/or has population frequency not consistent with disease.

Breakthrough Genomics
Classification: Benign. Review status: criteria provided, single submitter. Criteria: ACMG Guidelines, 2015. Collection method: not provided. Allele origin: germline. Inheritance: Autosomal recessive inheritance. Affected: yes.

Natera, Inc.
Classification: Benign for Ellis-van Creveld syndrome. Last evaluated: 2020-09-16. Review status: no assertion criteria provided. Collection method: clinical testing. Allele origin: germline. Not counted in ClinVar's aggregate classification.